The following is an entry in ClinVar:

NM_001009944.3(PKD1):c.10420C>T (p.Gln3474Ter)

Gene: PKD1 (polycystin 1, transient receptor potential channel interacting; minus strand). Cytogenetic location: 16p13.3.
Variant type: single nucleotide variant.
Coding change: c.10420C>T on transcript NM_001009944.3 (MANE Select); coding-DNA position 10420, C replaced by T.
Protein change: p.Gln3474Ter; replaces glutamine 3474 with a stop codon.
Molecular consequence: nonsense.
Genome position (GRCh38, 1-based): chr16:2,097,227, G>A on the plus strand (C>T on the coding strand, the complement: PKD1 is on the minus strand). VCF-style: chr16-2097227-G-A. GRCh37 (hg19) VCF-style: chr16-2147228-G-A.
Other names: c.10417C>T, p.Gln3473Ter (NM_000296.4); short protein forms Q3474*, Q3473*.
Identifiers: ClinVar variation 419960 (VCV000419960.14), dbSNP rs1064794206, ClinGen allele CA16620107.
Genomic context (GRCh38, chr16:2,097,227, plus strand): 5'-TTTCCATGTGGGTGTCTTGGGTAGGGGCTGGGCTGCTGACCCCCTCGGCAAGGACCTGCT[G>A]GATCAGGTCTTCATCTAGAGGTACAGGAGGCATAGGGTGGGCCCAGCTGCAAGGGTGAGC-3'

ClinVar aggregate classification (germline): Pathogenic. Review status: criteria provided, multiple submitters, no conflicts (2 of 4 stars). 8 submissions from 8 submitters: Pathogenic (6). 2 of the submissions do not count toward it. Last evaluated 2025-05-27.

Conditions:
PKD1-related disorder. Also called: PKD1-related condition.
Polycystic kidney disease, adult type (PKD1). Also called: Polycystic Kidney, Autosomal Dominant; Polycystic Kidney Disease 1, Autosomal Dominant; Polycystic kidney disease 1; Polycystic kidney disease 1, severe; POLYCYSTIC KIDNEY DISEASE, ADULT, TYPE I; POLYCYSTIC KIDNEY DISEASE 1 WITH OR WITHOUT POLYCYSTIC LIVER DISEASE. Identifiers: MedGen C3149841, MONDO:0008263, OMIM 173900.

Submissions (8):

GeneDx
Classification: Pathogenic. Last evaluated: 2025-05-27. Review status: criteria provided, single submitter. Criteria: GeneDx Variant Classification Process June 2021. Collection method: clinical testing. Allele origin: germline. Affected: yes.
Comment: Nonsense variant predicted to result in protein truncation or nonsense mediated decay in a gene for which loss-of-function is a known mechanism of disease; Not observed at significant frequency in large population cohorts (gnomAD); This variant is associated with the following publications: (PMID: 30586318, 25525159, 31730820, 10854095, 11967008, 27782177, 29590654, 37372416, 38057357, 38978874, LiuY2023[Preprint], 31740684)

Victorian Clinical Genetics Services, Murdoch Childrens Research Institute
Classification: Pathogenic for Polycystic kidney disease, adult type. Last evaluated: 2024-10-25. Review status: criteria provided, single submitter. Criteria: ACMG Guidelines, 2015. Collection method: clinical testing. Allele origin: germline. Affected: yes.
Comment: This variant is classified as Pathogenic. Evidence in support of pathogenic classification: Variant is predicted to cause nonsense-mediated decay (NMD) and loss of protein (premature termination codon is located at least 54 nucleotides upstream of the final exon-exon junction); Variant is absent from gnomAD (v2, v3 and v4); This variant has moderate previous evidence of pathogenicity in unrelated individuals. This variant has been classified as pathogenic by multiple clinical laboratories (ClinVar); Other NMD-predicted variant(s) comparable to the one identified in this case have very strong previous evidence for pathogenicity (DECIPHER). Additional information: This variant is heterozygous; This gene is associated with autosomal dominant disease. Polycystic kidney disease 1 (MIM#173900) is predominantly caused by monoallelic variants, with rare reports of biallelic variants causing disease (OMIM); Loss of function is a known mechanism of disease in this gene and is associated with polycystic kidney disease 1 (MIM#173900); Inheritance information for this variant is not currently available in this individual.

Fulgent Genetics
Classification: Pathogenic for Polycystic kidney disease, adult type. Last evaluated: 2024-03-12. Review status: criteria provided, single submitter. Criteria: ACMG Guidelines, 2015. Collection method: clinical testing. Allele origin: germline.

3billion
Classification: Pathogenic for Polycystic kidney disease, adult type. Last evaluated: 2023-02-23. Review status: criteria provided, single submitter. Criteria: ACMG Guidelines, 2015. Collection method: clinical testing. Allele origin: unknown. Affected: yes.
Comment: The variant is not observed in the gnomAD v2.1.1 dataset. This variant was predicted to result in a loss or disruption of normal protein function through nonsense-mediated decay (NMD) or protein truncation. Multiple pathogenic variants are reported downstream of the variant. The variant has been reported at least twice as pathogenic with clinical assertions and evidence for the classification (ClinVar ID: VCV000419960 / PMID: 11967008). Therefore, this variant is classified as Pathogenic according to the recommendation of ACMG/AMP guideline.

Department of Pathology and Laboratory Medicine, Sinai Health System
Classification: Pathogenic for Polycystic kidney disease, adult type. Last evaluated: 2022-06-02. Review status: criteria provided, single submitter. Criteria: ACMG Guidelines, 2015. Collection method: clinical testing. Allele origin: germline. Affected: yes.

Blueprint Genetics
Classification: Pathogenic for PKD1-related disorders. Last evaluated: 2021-11-17. Review status: criteria provided, single submitter. Criteria: ACMG Guidelines, 2015. Collection method: clinical testing. Allele origin: germline. Affected: yes. Observed: 2 variant alleles.

Gharavi Laboratory, Columbia University
Classification: Pathogenic. Last evaluated: 2018-09-16. Review status: no assertion criteria provided. Criteria: ACMG Guidelines, 2015. Collection method: research. Allele origin: germline. Affected: yes. Not counted in ClinVar's aggregate classification.

Genomics And Bioinformatics Analysis Resource, Columbia University
Classification: Pathogenic for Polycystic kidney disease, adult type. Review status: no assertion criteria provided. Collection method: research. Allele origin: unknown. Affected: yes. Not counted in ClinVar's aggregate classification.

Literature cited by the submitters: PubMed 11967008 (cited by 3billion and Department of Pathology and Laboratory Medicine, Sinai Health System).